The following is an entry in ClinVar:

ClinVar aggregate classification (germline): Pathogenic (1 of 4 stars; one submission).

Conditions:
Episodic ataxia type 2 (EA2). Also called: ACETAZOLAMIDE-RESPONSIVE HEREDITARY PAROXYSMAL CEREBELLAR ATAXIA; EPISODIC ATAXIA, NYSTAGMUS-ASSOCIATED; ATAXIA, EPISODIC, WITH NYSTAGMUS; ATAXIA, FAMILIAL PAROXYSMAL; CEREBELLAR ATAXIA, PAROXYSMAL, ACETAZOLAMIDE-RESPONSIVE; CEREBELLOPATHY, HEREDITARY PAROXYSMAL. Identifiers: Orphanet 97, MedGen C1720416, MONDO:0007163, OMIM 108500.
Developmental and epileptic encephalopathy, 42 (DEE42A). Also called: DEVELOPMENTAL AND EPILEPTIC ENCEPHALOPATHY 42A; EPILEPTIC ENCEPHALOPATHY, EARLY INFANTILE, 42A; Epileptic encephalopathy, early infantile, 42. Identifiers: MedGen C4310716, MONDO:0014917, OMIM 617106.

Submission:

Labcorp Genetics (formerly Invitae), Labcorp
Classification: Pathogenic for Developmental and epileptic encephalopathy, 42; Episodic ataxia type 2. Last evaluated: 2022-07-05. Review status: criteria provided, single submitter. Criteria: Invitae Variant Classification Sherloc (09022015). Collection method: clinical testing. Allele origin: germline.
Comment: For these reasons, this variant has been classified as Pathogenic. ClinVar contains an entry for this variant (Variation ID: 1450596). This variant has not been reported in the literature in individuals affected with CACNA1A-related conditions. This variant is not present in population databases (gnomAD no frequency). This sequence change creates a premature translational stop signal (p.Gly1037Argfs*31) in the CACNA1A gene. It is expected to result in an absent or disrupted protein product. Loss-of-function variants in CACNA1A are known to be pathogenic (PMID: 10371528, 19486177, 25735478, 27250579).

Literature cited by the submitters: PubMed 10371528; PubMed 19486177; PubMed 25735478; PubMed 27250579.

NM_001127222.2(CACNA1A):c.3105dup (p.Gly1036fs)

Gene: CACNA1A (calcium voltage-gated channel subunit alpha1 A; minus strand). Cytogenetic location: 19p13.13.
Variant type: Duplication.
Coding change: c.3105dup on transcript NM_001127222.2 (MANE Select); coding-DNA position 3105, one base duplicated (C; older notation c.3105dupC).
Protein change: p.Gly1036fs; shifts the reading frame from glycine 1036.
Molecular consequence: frameshift variant.
Genome position (GRCh38, 1-based): chr19:13,286,951, G duplicated on the plus strand (C on the coding strand, the reverse complement: CACNA1A is on the minus strand); the first of 2 consecutive G bases (chr19:13,286,951-13,286,952); duplicating either gives the same sequence. VCF-style (leftmost placement, unchanged base first): chr19-13286950-C-CG. GRCh37 (hg19) VCF-style: chr19-13397764-C-CG.
Other names: c.3117dup, p.Gly1040fs (NM_000068.4, NM_023035.3); c.3108dup, p.Gly1037fs (NM_001127221.2, NM_001174080.2); short protein forms G1037fs, G1040fs, G1036fs.
Identifiers: ClinVar variation 1450596 (VCV001450596.6), dbSNP rs2144889523, ClinGen allele CA2573156125.